The following is an entry in ClinVar:

ClinVar aggregate classification (germline): Uncertain significance. Review status: criteria provided, multiple submitters, no conflicts (2 of 4 stars). 2 submissions from 2 submitters: Uncertain significance (2). Last evaluated 2024-12-31.

Conditions:
Inborn genetic diseases. Identifiers: MedGen C0950123, MeSH D030342.
Megaconial type congenital muscular dystrophy (MDCMC). Also called: MUSCULAR DYSTROPHY, CONGENITAL, WITH MITOCHONDRIAL STRUCTURAL ABNORMALITIES; CHKB-Related Muscle Diseases; CHKB-Related Muscular Dystrophy. Identifiers: Orphanet 280671, MedGen C1865233, MONDO:0011246, OMIM 602541.

Allele frequency attached by ClinVar (database versions not stated): gnomAD exomes 0.00001; ExAC 0.00002; gnomAD 0.00002; TOPMed 0.00003.
gnomAD v4.1: 12 of 1,613,932 alleles (0.00074%); highest among the groups gnomAD compares: South Asian, 0.0011%; no homozygotes.

Submissions (2):

Ambry Genetics
Classification: Uncertain significance for Inborn genetic diseases. Last evaluated: 2024-12-31. Review status: criteria provided, single submitter. Criteria: Ambry Variant Classification Scheme 2023. Collection method: clinical testing. Allele origin: germline.

Labcorp Genetics (formerly Invitae), Labcorp
Classification: Uncertain significance for Megaconial type congenital muscular dystrophy. Last evaluated: 2022-06-27. Review status: criteria provided, single submitter. Criteria: Invitae Variant Classification Sherloc (09022015). Collection method: clinical testing. Allele origin: germline.
Comment: This sequence change replaces aspartic acid, which is acidic and polar, with valine, which is neutral and non-polar, at codon 302 of the CHKB protein (p.Asp302Val). This variant is present in population databases (rs775547378, gnomAD 0.003%). This variant has not been reported in the literature in individuals affected with CHKB-related conditions. ClinVar contains an entry for this variant (Variation ID: 956014). Algorithms developed to predict the effect of missense changes on protein structure and function are either unavailable or do not agree on the potential impact of this missense change (SIFT: "Deleterious"; PolyPhen-2: "Possibly Damaging"; Align-GVGD: "Class C15"). In summary, the available evidence is currently insufficient to determine the role of this variant in disease. Therefore, it has been classified as a Variant of Uncertain Significance.

NM_005198.5(CHKB):c.905A>T (p.Asp302Val)

Genes: CHKB-CPT1B (CHKB-CPT1B readthrough (NMD candidate); minus strand), CHKB (choline kinase beta; minus strand). Cytogenetic location: 22q13.33.
Variant type: single nucleotide variant.
Coding change: c.905A>T on transcript NM_005198.5 (MANE Select); coding-DNA position 905, A replaced by T.
Protein change: p.Asp302Val; replaces aspartic acid 302 with valine.
Molecular consequence: missense variant. On other transcripts: non-coding transcript variant (1).
Genome position (GRCh38, 1-based): chr22:50,579,996, T>A on the plus strand (A>T on the coding strand, the complement: CHKB is on the minus strand). VCF-style: chr22-50579996-T-A. GRCh37 (hg19) VCF-style: chr22-51018425-T-A.
Other names: short protein forms D302V.
Identifiers: ClinVar variation 956014 (VCV000956014.11), dbSNP rs775547378, ClinGen allele CA10323597.